The following is an entry in ClinVar:

NM_207163.3(LMOD2):c.968A>C (p.Lys323Thr)

Gene: LMOD2 (leiomodin 2; plus strand). Cytogenetic location: 7q31.32.
Variant type: single nucleotide variant.
Coding change: c.968A>C on transcript NM_207163.3 (MANE Select); coding-DNA position 968, A replaced by C.
Protein change: p.Lys323Thr; replaces lysine 323 with threonine.
Molecular consequence: missense variant.
Genome position (GRCh38, 1-based): chr7:123,662,554, A>C. VCF-style: chr7-123662554-A-C. GRCh37 (hg19) VCF-style: chr7-123302608-A-C.
Other names: short protein forms K323T.
Identifiers: ClinVar variation 4999715 (VCV004999715.1).

ClinVar aggregate classification (germline): Uncertain significance (1 of 4 stars; one submission).

Conditions:
LMOD2-related condition.

gnomAD v4.1: 5 of 1,613,684 alleles (0.00031%); highest among the groups gnomAD compares: African/African-American, 0.0067%; no homozygotes.

Submission:

PreventionGenetics, part of Exact Sciences
Classification: Uncertain significance for LMOD2-related condition. Last evaluated: 2026-06-02. Review status: criteria provided, single submitter. Criteria: ACMG Guidelines, 2015. Collection method: clinical testing. Allele origin: germline.
Comment: The LMOD2 c.968A>C variant is predicted to result in the amino acid substitution p.Lys323Thr. To our knowledge, this variant has not been reported in the literature. This variant is reported in 0.0083% of alleles in individuals of African descent in gnomAD. At this time, the clinical significance of this variant is uncertain due to the absence of conclusive functional and genetic evidence.